The following is an entry in ClinVar:

NM_001277115.2(DNAH11):c.11275A>G (p.Ile3759Val)

Gene: DNAH11 (dynein axonemal heavy chain 11; plus strand). Cytogenetic location: 7p15.3.
Variant type: single nucleotide variant.
Coding change: c.11275A>G on transcript NM_001277115.2 (MANE Select); coding-DNA position 11275, A replaced by G.
Protein change: p.Ile3759Val; replaces isoleucine 3759 with valine.
Molecular consequence: missense variant.
Genome position (GRCh38, 1-based): chr7:21,861,925, A>G. VCF-style: chr7-21861925-A-G. GRCh37 (hg19) VCF-style: chr7-21901543-A-G.
Other names: short protein forms I3759V.
Identifiers: ClinVar variation 1304494 (VCV001304494.8), dbSNP rs1247510142, ClinGen allele CA366961320.

ClinVar aggregate classification (germline): Conflicting classifications of pathogenicity. Review status: criteria provided, conflicting classifications (1 of 4 stars). 3 submissions from 3 submitters: Uncertain significance (1); Benign (1); Likely benign (1). Last evaluated 2026-03-02.

Conditions:
Primary ciliary dyskinesia. Also called: Ciliary dyskinesia. Identifiers: Orphanet 244, MedGen C0008780, MONDO:0016575, HP:0012265.

Allele frequency attached by ClinVar (database versions not stated): gnomAD exomes 0.00001.
gnomAD v4.1: 3 of 1,613,698 alleles (0.00019%); highest among the groups gnomAD compares: Admixed American, 0.0033%; no homozygotes.

Submissions (3):

Ambry Genetics
Classification: Likely benign for Primary ciliary dyskinesia. Last evaluated: 2026-03-02. Review status: criteria provided, single submitter. Criteria: Ambry Variant Classification Scheme 2023. Collection method: clinical testing. Allele origin: germline.

Labcorp Genetics (formerly Invitae), Labcorp
Classification: Benign for Primary ciliary dyskinesia. Last evaluated: 2024-03-02. Review status: criteria provided, single submitter. Criteria: Invitae Variant Classification Sherloc (09022015). Collection method: clinical testing. Allele origin: germline.

GeneDx
Classification: Uncertain significance. Last evaluated: 2019-01-17. Review status: criteria provided, single submitter. Criteria: GeneDx Variant Classification Process June 2021. Collection method: clinical testing. Allele origin: germline. Affected: yes.
Comment: In silico analysis, which includes protein predictors and evolutionary conservation, supports that this variant does not alter protein structure/function; Has not been previously published as pathogenic or benign to our knowledge